The following is an entry in ClinVar:

ClinVar aggregate classification (germline): Uncertain significance. Review status: criteria provided, multiple submitters, no conflicts (2 of 4 stars). 3 submissions from 3 submitters: Uncertain significance (2). 1 of the submissions does not count toward it. Last evaluated 2021-07-14.

Conditions:
Methylmalonic acidemia (MMA). Also called: Isolated Methylmalonic Acidemia. Identifiers: MedGen C0268583, MeSH C537358, MONDO:0002012, HP:0002912.
Combined malonic and methylmalonic acidemia. Identifiers: Orphanet 289504, MedGen C3280314, MONDO:0013661, OMIM 614265.

Allele frequency attached by ClinVar (database versions not stated): gnomAD 0.00012 and 0.00016; TOPMed 0.00012; 1000 Genomes Project 30x 0.00016; 1000 Genomes Project 0.00020; gnomAD exomes 0.00022; ExAC 0.00023; ESP Exome Variant Server 0.00023.
gnomAD v4.1: 255 of 1,613,262 alleles (0.016%); highest among the groups gnomAD compares: Middle Eastern, 0.18%; 1 homozygote.

Submissions (3):

Genome-Nilou Lab
Classification: Uncertain significance for Combined malonic and methylmalonic acidemia. Last evaluated: 2021-07-14. Review status: criteria provided, single submitter. Criteria: ACMG Guidelines, 2015. Collection method: clinical testing. Allele origin: germline. Affected: no.

Labcorp Genetics (formerly Invitae), Labcorp
Classification: Uncertain significance for Combined malonic and methylmalonic acidemia. Last evaluated: 2021-07-09. Review status: criteria provided, single submitter. Criteria: Invitae Variant Classification Sherloc (09022015). Collection method: clinical testing. Allele origin: germline.
Comment: This sequence change replaces serine with leucine at codon 548 of the ACSF3 protein (p.Ser548Leu). The serine residue is weakly conserved and there is a large physicochemical difference between serine and leucine. This variant is present in population databases (rs139520739, ExAC 0.07%). This variant has not been reported in the literature in individuals affected with ACSF3-related conditions. Algorithms developed to predict the effect of missense changes on protein structure and function are either unavailable or do not agree on the potential impact of this missense change (SIFT: "Deleterious"; PolyPhen-2: "Benign"; Align-GVGD: "Class C0"). In summary, the available evidence is currently insufficient to determine the role of this variant in disease. Therefore, it has been classified as a Variant of Uncertain Significance.

Natera, Inc.
Classification: Uncertain significance for Methylmalonic acidemia. Last evaluated: 2020-05-01. Review status: no assertion criteria provided. Collection method: clinical testing. Allele origin: germline. Not counted in ClinVar's aggregate classification.

NM_001243279.3(ACSF3):c.1643C>T (p.Ser548Leu)

Gene: ACSF3 (acyl-CoA synthetase family member 3; plus strand). Cytogenetic location: 16q24.3.
Variant type: single nucleotide variant.
Coding change: c.1643C>T on transcript NM_001243279.3 (MANE Select); coding-DNA position 1643, C replaced by T.
Protein change: p.Ser548Leu; replaces serine 548 with leucine.
Molecular consequence: missense variant. On other transcripts: non-coding transcript variant (4).
Genome position (GRCh38, 1-based): chr16:89,154,119, C>T. VCF-style: chr16-89154119-C-T. GRCh37 (hg19) VCF-style: chr16-89220527-C-T.
Other names: c.1643C>T, p.Ser548Leu (NM_001127214.4, NM_174917.5); c.848C>T, p.Ser283Leu (NM_001284316.2); short protein forms S283L, S548L.
Identifiers: ClinVar variation 992105 (VCV000992105.6), dbSNP rs139520739, ClinGen allele CA8238364.